The following is an entry in ClinVar:

ClinVar aggregate classification (germline): Uncertain significance. Review status: criteria provided, multiple submitters, no conflicts (2 of 4 stars). 2 submissions from 2 submitters: Uncertain significance (2). Last evaluated 2026-01-05.

Conditions:
Inborn genetic diseases. Identifiers: MedGen C0950123, MeSH D030342.

gnomAD v4.1: 37 of 1,613,910 alleles (0.0023%); highest among the groups gnomAD compares: Middle Eastern, 0.016%; no homozygotes.

Submissions (2):

Labcorp Genetics (formerly Invitae), Labcorp
Classification: Uncertain significance. Last evaluated: 2026-01-05. Review status: criteria provided, single submitter. Criteria: Invitae Variant Classification Sherloc (09022015). Collection method: clinical testing. Allele origin: germline.
Comment: This sequence change replaces alanine, which is neutral and non-polar, with threonine, which is neutral and polar, at codon 860 of the NALCN protein (p.Ala860Thr). This variant is present in population databases (rs369137916, gnomAD 0.006%). This variant has not been reported in the literature in individuals affected with NALCN-related conditions. ClinVar contains an entry for this variant (Variation ID: 3917125). An algorithm developed to predict the effect of missense changes on protein structure and function (PolyPhen-2) suggests that this variant is likely to be tolerated. In summary, the available evidence is currently insufficient to determine the role of this variant in disease. Therefore, it has been classified as a Variant of Uncertain Significance.

Ambry Genetics
Classification: Uncertain significance for Inborn genetic diseases. Last evaluated: 2025-06-10. Review status: criteria provided, single submitter. Criteria: Ambry Variant Classification Scheme 2023. Collection method: clinical testing. Allele origin: germline.

NM_052867.4(NALCN):c.2578G>A (p.Ala860Thr)

Gene: NALCN (sodium leak channel, non-selective; minus strand). Cytogenetic location: 13q33.1.
Variant type: single nucleotide variant.
Coding change: c.2578G>A on transcript NM_052867.4 (MANE Select); coding-DNA position 2578, G replaced by A.
Protein change: p.Ala860Thr; replaces alanine 860 with threonine.
Molecular consequence: missense variant.
Genome position (GRCh38, 1-based): chr13:101,107,488, C>T on the plus strand (G>A on the coding strand, the complement: NALCN is on the minus strand). VCF-style: chr13-101107488-C-T. GRCh37 (hg19) VCF-style: chr13-101759839-C-T.
Other names: c.2665G>A, p.Ala889Thr (NM_001350748.2); c.2578G>A, p.Ala860Thr (NM_001350749.2); c.2491G>A, p.Ala831Thr (NM_001350750.2, NM_001350751.2); short protein forms A860T, A889T, A831T.
Identifiers: ClinVar variation 3917125 (VCV003917125.2).